The following is an entry in ClinVar:

ClinVar aggregate classification (germline): Pathogenic (1 of 4 stars; one submission).

Conditions:
Fabry disease. Also called: ALPHA-GALACTOSIDASE A DEFICIENCY; ANDERSON-FABRY DISEASE; CERAMIDE TRIHEXOSIDASE DEFICIENCY; GLA DEFICIENCY; HEREDITARY DYSTOPIC LIPIDOSIS; Angiokeratoma corporis diffusum. Identifiers: Orphanet 324, MedGen C0002986, MONDO:0010526, OMIM 301500, HP:0001071. Disease mechanism: Fabry disease is due to inactivating mutations in the X-linked GLA gene resulting in deficiency of the enzyme Alpha Galactosidase-A., loss of function.

Submission:

Genomenon, Inc
Classification: Pathogenic for Fabry disease. Last evaluated: 2026-09-08. Review status: criteria provided, single submitter. Criteria: Genomenon Sequence Variant Interpretation Standards - Updated. Collection method: curation. Allele origin: germline. Affected: yes.
Comment: GLA p.Lys168Arg (c.503A>G) is a missense variant that changes the amino acid at codon 168 from Lysine to Arginine. This variant has been observed in at least one proband with clinical features consistent with Fabry disease (PMID:36140787;12175777). The variant was found to segregate with disease in at least one affected family (PMID:36140787). At least one functional study has demonstrated a substantial alteration in protein function relative to the wild-type (PMID:27657681). This variant is located in a mutational hotspot and/or important functional domain. It is absent or not present at a significant frequency in gnomAD. In silico models predict that this variant is possibly or probably damaging. In conclusion, we classify GLA p.Lys168Arg (c.503A>G) as a pathogenic variant.

Literature cited by the submitters: PubMed 36140787; PubMed 12175777; PubMed 27657681.

NM_000169.3(GLA):c.503A>G (p.Lys168Arg)

Genes: GLA (galactosidase alpha; minus strand), RPL36A-HNRNPH2 (RPL36A-HNRNPH2 readthrough; plus strand). Cytogenetic location: Xq22.1.
Variant type: single nucleotide variant.
Coding change: c.503A>G on transcript NM_000169.3 (MANE Select); coding-DNA position 503, A replaced by G.
Protein change: p.Lys168Arg; replaces lysine 168 with arginine.
Molecular consequence: missense variant. On other transcripts: non-coding transcript variant (3), intron variant (2).
Genome position (GRCh38, 1-based): chrX:101,401,676, T>C on the plus strand (A>G on the coding strand, the complement: GLA is on the minus strand). VCF-style: chrX-101401676-T-C. GRCh37 (hg19) VCF-style: chrX-100656664-T-C.
Other names: c.626A>G, p.Lys209Arg (NM_001406747.1, NM_001406749.1); c.503A>G, p.Lys168Arg (NM_001406748.1); c.300+6219T>C (NM_001199973.2); c.177+9854T>C (NM_001199974.2); short protein forms K168R, K209R.
Identifiers: ClinVar variation 4087397 (VCV004087397.2).
Genomic context (GRCh38, chrX:101,401,676, plus strand): 5'-TGGAATGAAACATTACCATCTGCCAAATTTTCCAAACTGTCACAGTAACAACCATCAAAT[T>C]TTAGCAGATCTACTCCCCAGTCAGCAAAGGTCTGGGCATCAATGTCGTAGTATCCAAAAC-3'
Protein context (NP_000160.1, residues 158-178): TFADWGVDLL[Lys168Arg]FDGCYCDSLE